The following is an entry in ClinVar:

ClinVar aggregate classification (germline): Uncertain significance (1 of 4 stars; one submission).

Submission:

GeneDx
Classification: Uncertain significance. Last evaluated: 2025-06-04. Review status: criteria provided, single submitter. Criteria: GeneDx Variant Classification Process June 2021. Collection method: clinical testing. Allele origin: germline. Affected: yes.
Comment: Not observed at significant frequency in large population cohorts (gnomAD); In silico analysis supports that this missense variant has a deleterious effect on protein structure/function; Has not been previously published as pathogenic or benign to our knowledge

NM_004519.4(KCNQ3):c.1564G>T (p.Val522Phe)

Gene: KCNQ3 (potassium voltage-gated channel subfamily Q member 3; minus strand). Cytogenetic location: 8q24.22.
Variant type: single nucleotide variant.
Coding change: c.1564G>T on transcript NM_004519.4 (MANE Select); coding-DNA position 1564, G replaced by T.
Protein change: p.Val522Phe; replaces valine 522 with phenylalanine.
Molecular consequence: missense variant.
Genome position (GRCh38, 1-based): chr8:132,140,080, C>A on the plus strand (G>T on the coding strand, the complement: KCNQ3 is on the minus strand). VCF-style: chr8-132140080-C-A. GRCh37 (hg19) VCF-style: chr8-133152327-C-A.
Other names: c.1204G>T, p.Val402Phe (NM_001204824.2); short protein forms V402F, V522F.
Identifiers: ClinVar variation 4536375 (VCV004536375.1).